The following is an entry in ClinVar:

NM_000352.6(ABCC8):c.1457G>A (p.Arg486Gln)

Gene: ABCC8 (ATP binding cassette subfamily C member 8; minus strand). Cytogenetic location: 11p15.1.
Variant type: single nucleotide variant.
Coding change: c.1457G>A on transcript NM_000352.6 (MANE Select); coding-DNA position 1457, G replaced by A.
Protein change: p.Arg486Gln; replaces arginine 486 with glutamine.
Molecular consequence: missense variant. On other transcripts: non-coding transcript variant (1).
Genome position (GRCh38, 1-based): chr11:17,443,188, C>T on the plus strand (G>A on the coding strand, the complement: ABCC8 is on the minus strand). VCF-style: chr11-17443188-C-T. GRCh37 (hg19) VCF-style: chr11-17464735-C-T.
Other names: c.1457G>A (NM_000352.3, NM_000352.4); c.1457G>A, p.Arg486Gln (NM_001287174.3, NM_001351295.2); c.1454G>A, p.Arg485Gln (NM_001351296.2, NM_001351297.2); short protein forms R485Q, R486Q.
Identifiers: ClinVar variation 991052 (VCV000991052.9), dbSNP rs376080397, ClinGen allele CA5903582.

ClinVar aggregate classification (germline): Uncertain significance. Review status: criteria provided, multiple submitters, no conflicts (2 of 4 stars). 6 submissions from 6 submitters: Uncertain significance (5). 1 of the submissions does not count toward it. Last evaluated 2026-05-29.

Conditions:
Hyperinsulinemic hypoglycemia, familial, 1 (HHF1). Also called: NESIDIOBLASTOSIS OF PANCREAS; HYPERINSULINISM, FAMILIAL, WITH PANCREATIC NESIDIOBLASTOSIS; HYPOGLYCEMIA, HYPERINSULINEMIC, OF INFANCY; Persistent Hyperinsulinemia Hypoglycemia of Infancy; Persistent hyperinsulinemic hypoglycemia of infancy. Identifiers: Orphanet 276575, Orphanet 276598, MedGen C2931832, MONDO:0009734, OMIM 256450.
Diabetes mellitus, permanent neonatal 3. Also called: ABCC8-Related Permanent Neonatal Diabetes Mellitus. Identifiers: MedGen C5394303, MONDO:0030088, OMIM 618857.
Diabetes mellitus, transient neonatal, 2 (TNDM2). Identifiers: Orphanet 99886, MedGen C1835887, MONDO:0012480, OMIM 610374. Disease mechanism: loss of function.
Type 2 diabetes mellitus. Also called: Type II diabetes mellitus. Identifiers: MedGen C0011860, MeSH D003924, MONDO:0005148, OMIM 125853, HP:0005978.
Leucine-induced hypoglycemia (LIH). Also called: LEUCINE-SENSITIVE HYPOGLYCEMIA OF INFANCY. Identifiers: MedGen C0271714, MONDO:0009415, OMIM 240800.
Hereditary hyperinsulinism.

Allele frequency attached by ClinVar (database versions not stated): ExAC 0.00003; gnomAD exomes 0.00003; gnomAD 0.00005 and 0.00007; TOPMed 0.00005; ESP Exome Variant Server 0.00008.
gnomAD v4.1: 65 of 1,613,976 alleles (0.004%); highest among the groups gnomAD compares: East Asian, 0.022%; no homozygotes.

Submissions (6):

Women's Health and Genetics/Laboratory Corporation of America, LabCorp
Classification: Uncertain significance. Last evaluated: 2026-05-29. Review status: criteria provided, single submitter. Criteria: LabCorp Variant Classification Summary - May 2015. Collection method: clinical testing. Allele origin: germline.
Comment: Variant summary: ABCC8 c.1457G>A (p.Arg486Gln) results in a conservative amino acid change located in the ABC transporter type 1, transmembrane domain (IPR011527) of the encoded protein sequence. Algorithms developed to predict the effect of missense changes on protein structure and function are either unavailable or do not agree on the potential impact of this missense change. The variant allele was found at a frequency of 2.8e-05 in 251310 control chromosomes. The available data on variant occurrences in the general population are insufficient to allow any conclusion about variant significance. c.1457G>A has been observed, arising de novo, in individual(s) affected with autism and developmenta delay (Fu_2022, Zhou_2022). These report(s) do not provide unequivocal conclusions about association of the variant with disease. To our knowledge, no experimental evidence demonstrating an impact on protein function has been reported. The following publications have been ascertained in the context of this evaluation (PMID: 35982160, 35982159). ClinVar contains an entry for this variant (Variation ID: 991052). Based on the evidence outlined above, the variant was classified as uncertain significance.

Fulgent Genetics
Classification: Uncertain significance for Type 2 diabetes mellitus; Leucine-induced hypoglycemia; Hyperinsulinemic hypoglycemia, familial, 1; Diabetes mellitus, transient neonatal, 2; Diabetes mellitus, permanent neonatal 3. Last evaluated: 2024-04-26. Review status: criteria provided, single submitter. Criteria: ACMG Guidelines, 2015. Collection method: clinical testing. Allele origin: germline.

Blueprint Genetics
Classification: Uncertain significance. Last evaluated: 2024-04-12. Review status: criteria provided, single submitter. Criteria: ACMG Guidelines, 2015. Collection method: clinical testing. Allele origin: germline.

New York Genome Center
Classification: Uncertain significance for Type 2 diabetes mellitus. Last evaluated: 2021-07-13. Review status: criteria provided, single submitter. Criteria: NYGC Assertion Criteria 2020. Collection method: clinical testing. Allele origin: germline. Observed: 1 heterozygote.
Comment: The heterozygous c.1457G>A (p.Arg486Gln) missense variant identified in the ABCC8 gene has not been reported in affected individuals in the literature. The variant has 0.00007232 allele frequency in the gnomAD(v3) database (11 out of 152092 heterozygous alleles, no homozygotes) suggesting it is not a common benign variant in the populations represented in that database. The variant affects an evolutionarily conserved residue. In Silico tools provide conflicting predictions about potential pathogenicity of this variant (CADD score = 24.8, REVEL score = 0.240). Based on the available evidence, the heterozygous c.1457G>A(p.Arg486Gln) missense variant identified in the ABCC8 gene is reported as a Variant of Uncertain Significance.

GeneDx
Classification: Uncertain significance. Last evaluated: 2019-09-19. Review status: criteria provided, single submitter. Criteria: GeneDx Variant Classification Process June 2021. Collection method: clinical testing. Allele origin: germline. Affected: yes.
Comment: Not observed at a significant frequency in large population cohorts (Lek et al., 2016); In silico analysis, which includes protein predictors and evolutionary conservation, supports that this variant does not alter protein structure/function; Has not been previously published as pathogenic or benign to our knowledge

Natera, Inc.
Classification: Uncertain significance for Hereditary hyperinsulinism. Last evaluated: 2020-04-10. Review status: no assertion criteria provided. Collection method: clinical testing. Allele origin: germline. Not counted in ClinVar's aggregate classification.

Literature cited by the submitters: PubMed 35982160 (cited by Women's Health and Genetics/Laboratory Corporation of America, LabCorp); PubMed 35982159 (cited by Women's Health and Genetics/Laboratory Corporation of America, LabCorp).